The following is an entry in ClinVar:

ClinVar aggregate classification (germline): Uncertain significance (1 of 4 stars; one submission).

Conditions:
PLXNA3-related disorder. Also called: PLXNA3-related condition.

gnomAD v4.1: 9 of 1,211,140 alleles (0.00074%); highest among the groups gnomAD compares: African/African-American, 0.0052%; no homozygotes.

Submission:

PreventionGenetics, part of Exact Sciences
Classification: Uncertain significance for PLXNA3-related condition. Last evaluated: 2025-10-14. Review status: criteria provided, single submitter. Criteria: ACMG Guidelines, 2015. Collection method: clinical testing. Allele origin: germline.
Comment: The PLXNA3 c.4748A>G variant is predicted to result in the amino acid substitution p.Tyr1583Cys. To our knowledge, this variant has not been reported in the literature. This variant is reported in 0.0076% of alleles in individuals of African descent in gnomAD. At this time, the clinical significance of this variant is uncertain due to the absence of conclusive functional and genetic evidence.

NM_017514.5(PLXNA3):c.4748A>G (p.Tyr1583Cys)

Gene: PLXNA3 (plexin A3; plus strand). Cytogenetic location: Xq28.
Variant type: single nucleotide variant.
Coding change: c.4748A>G on transcript NM_017514.5 (MANE Select); coding-DNA position 4748, A replaced by G.
Protein change: p.Tyr1583Cys; replaces tyrosine 1583 with cysteine.
Molecular consequence: missense variant.
Genome position (GRCh38, 1-based): chrX:154,469,737, A>G. VCF-style: chrX-154469737-A-G. GRCh37 (hg19) VCF-style: chrX-153698080-A-G.
Other names: short protein forms Y1583C.
Identifiers: ClinVar variation 4984370 (VCV004984370.1).